The following is an entry in ClinVar:

ClinVar aggregate classification (germline): Uncertain significance (1 of 4 stars; one submission).

Conditions:
TH-deficient dopa-responsive dystonia. Also called: Segawa syndrome, autosomal recessive; Tyrosine Hydroxylase-Deficient Dopa-Responsive Dystonia; DYT-TH. Identifiers: Orphanet 101150, MedGen C2673535, MONDO:0011551, OMIM 605407.

Allele frequency attached by ClinVar (database versions not stated): gnomAD exomes below 0.00001.

Submission:

Labcorp Genetics (formerly Invitae), Labcorp
Classification: Uncertain significance for TH-deficient dopa-responsive dystonia. Last evaluated: 2021-09-01. Review status: criteria provided, single submitter. Criteria: Invitae Variant Classification Sherloc (09022015). Collection method: clinical testing. Allele origin: germline.
Comment: This sequence change replaces lysine with arginine at codon 132 of the TH protein (p.Lys132Arg). The lysine residue is highly conserved and there is a small physicochemical difference between lysine and arginine. This variant is not present in population databases (ExAC no frequency). This variant has not been reported in the literature in individuals affected with TH-related conditions. Algorithms developed to predict the effect of missense changes on protein structure and function are either unavailable or do not agree on the potential impact of this missense change (SIFT: "Deleterious"; PolyPhen-2: "Benign"; Align-GVGD: "Class C25"). In summary, the available evidence is currently insufficient to determine the role of this variant in disease. Therefore, it has been classified as a Variant of Uncertain Significance.

NM_000360.4(TH):c.302A>G (p.Lys101Arg)

Gene: TH (tyrosine hydroxylase; minus strand). Cytogenetic location: 11p15.5.
Variant type: single nucleotide variant.
Coding change: c.302A>G on transcript NM_000360.4 (MANE Select); coding-DNA position 302, A replaced by G.
Protein change: p.Lys101Arg; replaces lysine 101 with arginine.
Molecular consequence: missense variant.
Genome position (GRCh38, 1-based): chr11:2,169,660, T>C on the plus strand (A>G on the coding strand, the complement: TH is on the minus strand). VCF-style: chr11-2169660-T-C. GRCh37 (hg19) VCF-style: chr11-2190890-T-C.
Other names: c.395A>G, p.Lys132Arg (NM_199292.3); c.383A>G, p.Lys128Arg (NM_199293.3); short protein forms K132R, K128R, K101R.
Identifiers: ClinVar variation 848515 (VCV000848515.7), dbSNP rs1284709971, ClinGen allele CA379112141.